The following is an entry in ClinVar:

NM_004082.5(DCTN1):c.1617A>G (p.Glu539=)

Gene: DCTN1 (dynactin subunit 1; minus strand). Cytogenetic location: 2p13.1.
Variant type: single nucleotide variant.
Coding change: c.1617A>G on transcript NM_004082.5 (MANE Select); coding-DNA position 1617, A replaced by G.
Protein change: p.Glu539=; no amino-acid change (glutamic acid 539 retained).
Molecular consequence: synonymous variant. On other transcripts: non-coding transcript variant (1).
Genome position (GRCh38, 1-based): chr2:74,369,182, T>C on the plus strand (A>G on the coding strand, the complement: DCTN1 is on the minus strand). VCF-style: chr2-74369182-T-C. GRCh37 (hg19) VCF-style: chr2-74596309-T-C.
Other names: p.Glu539=; c.1557A>G, p.Glu519= (NM_001135040.3); c.1215A>G, p.Glu405= (NM_001135041.3, NM_023019.4); c.1506A>G, p.Glu502= (NM_001190836.2); c.1596A>G, p.Glu532= (NM_001190837.2); c.1566A>G, p.Glu522= (NM_001378991.1); c.1548A>G, p.Glu516= (NM_001378992.1).
Identifiers: ClinVar variation 289451 (VCV000289451.25), dbSNP rs139061654, ClinGen allele CA1722089.

ClinVar aggregate classification (germline): Benign/Likely benign. Review status: criteria provided, multiple submitters, no conflicts (2 of 4 stars). 8 submissions from 7 submitters: Benign (5); Likely benign (2). 1 of the submissions does not count toward it. Last evaluated 2026-07-01.

Conditions:
Neuronopathy, distal hereditary motor, type 7B. Also called: LOWER MOTOR NEURON DISEASE, DYNACTIN TYPE; NEUROPATHY, DISTAL HEREDITARY MOTOR, HARDING TYPE VIIB; NEURONOPATHY, DISTAL HEREDITARY MOTOR, AUTOSOMAL DOMINANT 14; NEURONOPATHY, DISTAL HEREDITARY MOTOR, HARDING TYPE VIIB; NEUROPATHY, DISTAL HEREDITARY MOTOR, WITH VOCAL CORD PARALYSIS, HARDING TYPE VIIB; Distal Hereditary Motor Neuronopathy Type 7B (dHMN7B). Identifiers: Orphanet 139589, MedGen C1843315, MONDO:0011879, OMIM 607641.
Perry syndrome. Also called: PARKINSONISM WITH ALVEOLAR HYPOVENTILATION AND MENTAL DEPRESSION. Identifiers: Orphanet 178509, MedGen C1868594, MONDO:0008201, OMIM 168605.
Amyotrophic lateral sclerosis type 1 (ALS1). Also called: AMYOTROPHIC LATERAL SCLEROSIS 1, FAMILIAL. Identifiers: Orphanet 803, MedGen C1862939, MONDO:0007103, OMIM 105400.
DCTN1-related disorder. Also called: DCTN1-related condition.
Inborn genetic diseases. Identifiers: MedGen C0950123, MeSH D030342.

Allele frequency attached by ClinVar (database versions not stated): gnomAD exomes 0.00019 and 0.00050; ExAC 0.00063; gnomAD 0.00203 and 0.00215; ESP Exome Variant Server 0.00223; TOPMed 0.00228; 1000 Genomes Project 0.00240; 1000 Genomes Project 30x 0.00328.
gnomAD v4.1: 585 of 1,614,258 alleles (0.036%); highest among the groups gnomAD compares: African/African-American, 0.74%; 2 homozygotes.

Submissions (8):

CeGaT Center for Human Genetics Tuebingen
Classification: Likely benign. Last evaluated: 2026-07-01. Review status: criteria provided, single submitter. Criteria: CeGaT Center For Human Genetics Tuebingen Variant Classification Criteria Version 2. Collection method: clinical testing. Allele origin: germline. Affected: yes. Observed: 1 variant allele.
Comment: DCTN1: BP4, BP7

Labcorp Genetics (formerly Invitae), Labcorp
Classification: Benign for Amyotrophic lateral sclerosis type 1; Neuronopathy, distal hereditary motor, type 7B; Perry syndrome. Last evaluated: 2026-01-20. Review status: criteria provided, single submitter. Criteria: Invitae Variant Classification Sherloc (09022015). Collection method: clinical testing. Allele origin: germline.

Mayo Clinic Laboratories, Mayo Clinic
Classification: Benign. Last evaluated: 2021-08-06. Review status: criteria provided, single submitter. Criteria: ACMG Guidelines, 2015. Collection method: clinical testing. Allele origin: germline. Observed: 2 variant alleles.
Comment: BS1, BS2, BP4, BP7

Ambry Genetics
Classification: Likely benign for Inborn genetic diseases. Last evaluated: 2019-07-11. Review status: criteria provided, single submitter. Criteria: Ambry Variant Classification Scheme 2023. Collection method: clinical testing. Allele origin: germline.

Illumina Laboratory Services, Illumina
Classification: Benign for Neuronopathy, distal hereditary motor, type 7B. Last evaluated: 2018-01-13. Review status: criteria provided, single submitter. Criteria: ICSL Variant Classification Criteria 13 December 2019. Collection method: clinical testing. Allele origin: germline.
Comment: This variant was observed in the ICSL laboratory as part of a predisposition screen in an ostensibly healthy population. It had not been previously curated by ICSL or reported in the Human Gene Mutation Database (HGMD: prior to June 1st, 2018), and was therefore a candidate for classification through an automated scoring system. Utilizing variant allele frequency, disease prevalence and penetrance estimates, and inheritance mode, an automated score was calculated to assess if this variant is too frequent to cause the disease. Based on the score and internal cut-off values, a variant classified as benign is not then subjected to further curation. The score for this variant resulted in a classification of benign for this disease.

Illumina Laboratory Services, Illumina
Classification: Benign for Perry syndrome. Last evaluated: 2018-01-13. Review status: criteria provided, single submitter. Criteria: ICSL Variant Classification Criteria 13 December 2019. Collection method: clinical testing. Allele origin: germline.
Comment: the same text as in the submission from Illumina Laboratory Services, Illumina above.

Eurofins Ntd Llc (ga)
Classification: Benign. Last evaluated: 2016-08-17. Review status: criteria provided, single submitter. Criteria: EGL Classification Definitions 2015. Collection method: clinical testing. Allele origin: germline. Observed: 1 variant allele, 1 heterozygote.

PreventionGenetics, part of Exact Sciences
Classification: Benign for DCTN1-related condition. Last evaluated: 2022-07-06. Review status: no assertion criteria provided. Collection method: clinical testing. Allele origin: germline. Not counted in ClinVar's aggregate classification.
Comment: This variant is classified as benign based on ACMG/AMP sequence variant interpretation guidelines (Richards et al. 2015 PMID: 25741868, with internal and published modifications).